The following is an entry in ClinVar:

ClinVar aggregate classification (germline): Likely benign (1 of 4 stars; one submission).

Allele frequency attached by ClinVar (database versions not stated): TOPMed 0.00002; gnomAD 0.00004.
gnomAD v4.1: 41 of 1,106,508 alleles (0.0037%); highest among the groups gnomAD compares: East Asian, 0.012%; no homozygotes.

Submission:

GeneDx
Classification: Likely benign. Last evaluated: 2017-08-01. Review status: criteria provided, single submitter. Criteria: GeneDx Variant Classification (06012015). Collection method: clinical testing. Allele origin: germline. Affected: yes.
Comment: This variant is considered likely benign or benign based on one or more of the following criteria: it is a conservative change, it occurs at a poorly conserved position in the protein, it is predicted to be benign by multiple in silico algorithms, and/or has population frequency not consistent with disease.

NM_012213.3(MLYCD):c.-23C>A

Genes: MLYCD (malonyl-CoA decarboxylase; plus strand), LOC130059554 (ATAC-STARR-seq lymphoblastoid silent region 7769; plus strand). Cytogenetic location: 16q23.3.
Variant type: single nucleotide variant.
Coding change: c.-23C>A on transcript NM_012213.3 (MANE Select); 23 bases upstream of the start codon, C replaced by A.
Molecular consequence: 5 prime UTR variant.
Genome position (GRCh38, 1-based): chr16:83,899,122, C>A. VCF-style: chr16-83899122-C-A. GRCh37 (hg19) VCF-style: chr16-83932727-C-A.
Identifiers: ClinVar variation 510978 (VCV000510978.1), dbSNP rs867271136, ClinGen allele CA623831086.